The following is an entry in ClinVar:

ClinVar aggregate classification (germline): Uncertain significance (1 of 4 stars; one submission).

Conditions:
Primary ciliary dyskinesia. Also called: Ciliary dyskinesia. Identifiers: Orphanet 244, MedGen C0008780, MONDO:0016575, HP:0012265.

Allele frequency attached by ClinVar (database versions not stated): gnomAD exomes below 0.00001.
gnomAD v4.1: 2 of 1,551,548 alleles (0.00013%); highest among the groups gnomAD compares: East Asian, 0.0049%; no homozygotes.

Submission:

Labcorp Genetics (formerly Invitae), Labcorp
Classification: Uncertain significance for Primary ciliary dyskinesia. Last evaluated: 2022-11-15. Review status: criteria provided, single submitter. Criteria: Invitae Variant Classification Sherloc (09022015). Collection method: clinical testing. Allele origin: germline.
Comment: In summary, the available evidence is currently insufficient to determine the role of this variant in disease. Therefore, it has been classified as a Variant of Uncertain Significance. Algorithms developed to predict the effect of missense changes on protein structure and function output the following: SIFT: "Tolerated"; PolyPhen-2: "Benign"; Align-GVGD: "Class C0". The serine amino acid residue is found in multiple mammalian species, which suggests that this missense change does not adversely affect protein function. ClinVar contains an entry for this variant (Variation ID: 849128). This variant has not been reported in the literature in individuals affected with CCDC114-related conditions. This variant is not present in population databases (gnomAD no frequency). This sequence change replaces threonine, which is neutral and polar, with serine, which is neutral and polar, at codon 173 of the CCDC114 protein (p.Thr173Ser).

NM_001364171.2(ODAD1):c.629C>G (p.Thr210Ser)

Gene: ODAD1 (outer dynein arm docking complex subunit 1; minus strand). Cytogenetic location: 19q13.33.
Variant type: single nucleotide variant.
Coding change: c.629C>G on transcript NM_001364171.2 (MANE Select); coding-DNA position 629, C replaced by G.
Protein change: p.Thr210Ser; replaces threonine 210 with serine.
Molecular consequence: missense variant.
Genome position (GRCh38, 1-based): chr19:48,306,292, G>C on the plus strand (C>G on the coding strand, the complement: ODAD1 is on the minus strand). VCF-style: chr19-48306292-G-C. GRCh37 (hg19) VCF-style: chr19-48809549-G-C.
Other names: c.518C>G, p.Thr173Ser (NM_144577.4); short protein forms T173S, T210S.
Identifiers: ClinVar variation 849128 (VCV000849128.18), dbSNP rs1600864322, ClinGen allele CA406662815.
Genomic context (GRCh38, chr19:48,306,292, plus strand): 5'-TCCCAGGATACCCGCAGTCTCTACCTGACGGCGTAGGCAGAGGTGGAGGAGAGGATAAGG[G>C]TGCTGACCAGGTGATGCAGGTGGTGGATCTCCTGTGGGGGGAGGAGAAAAAAATCAGTGC-3'
Protein context (NP_001351100.1, residues 200-220): EIHHLHHLVS[Thr210Ser]LILSSTSAYA